The following is an entry in ClinVar:

NM_002941.4(ROBO1):c.4141G>A (p.Asp1381Asn)

Gene: ROBO1 (roundabout guidance receptor 1; minus strand). Cytogenetic location: 3p12.3.
Variant type: single nucleotide variant.
Coding change: c.4141G>A on transcript NM_002941.4 (MANE Select); coding-DNA position 4141, G replaced by A.
Protein change: p.Asp1381Asn; replaces aspartic acid 1381 with asparagine.
Molecular consequence: missense variant.
Genome position (GRCh38, 1-based): chr3:78,617,776, C>T on the plus strand (G>A on the coding strand, the complement: ROBO1 is on the minus strand). VCF-style: chr3-78617776-C-T. GRCh37 (hg19) VCF-style: chr3-78666926-C-T.
Other names: c.3841G>A, p.Asp1281Asn (NM_001145845.2); c.4006G>A, p.Asp1336Asn (NM_133631.4); short protein forms D1381N, D1281N, D1336N.
Identifiers: ClinVar variation 3635769 (VCV003635769.2).

ClinVar aggregate classification (germline): Uncertain significance (1 of 4 stars; one submission).

gnomAD v4.1: 4 of 1,613,946 alleles (0.00025%); highest among the groups gnomAD compares: Non-Finnish European, 0.00034%; no homozygotes.

Submission:

Labcorp Genetics (formerly Invitae), Labcorp
Classification: Uncertain significance. Last evaluated: 2024-06-22. Review status: criteria provided, single submitter. Criteria: Invitae Variant Classification Sherloc (09022015). Collection method: clinical testing. Allele origin: germline.
Comment: This sequence change replaces aspartic acid, which is acidic and polar, with asparagine, which is neutral and polar, at codon 1381 of the ROBO1 protein (p.Asp1381Asn). This variant is present in population databases (no rsID available, gnomAD 0.002%). This variant has not been reported in the literature in individuals affected with ROBO1-related conditions. Advanced modeling of protein sequence and biophysical properties (such as structural, functional, and spatial information, amino acid conservation, physicochemical variation, residue mobility, and thermodynamic stability) performed at Invitae indicates that this missense variant is not expected to disrupt ROBO1 protein function with a negative predictive value of 95%. In summary, the available evidence is currently insufficient to determine the role of this variant in disease. Therefore, it has been classified as a Variant of Uncertain Significance.